The following is an entry in ClinVar:

NM_205768.3(ZBTB18):c.652G>A (p.Gly218Arg)

Gene: ZBTB18 (zinc finger and BTB domain containing 18; plus strand). Cytogenetic location: 1q44.
Variant type: single nucleotide variant.
Coding change: c.652G>A on transcript NM_205768.3 (MANE Select); coding-DNA position 652, G replaced by A.
Protein change: p.Gly218Arg; replaces glycine 218 with arginine.
Molecular consequence: missense variant.
Genome position (GRCh38, 1-based): chr1:244,054,426, G>A. VCF-style: chr1-244054426-G-A. GRCh37 (hg19) VCF-style: chr1-244217728-G-A.
Other names: c.625G>A, p.Gly209Arg (NM_001278196.2, NM_006352.5); c.652G>A, p.Gly218Arg (NM_001421566.1); short protein forms G209R, G218R.
Identifiers: ClinVar variation 4771832 (VCV004771832.1).

ClinVar aggregate classification (germline): Uncertain significance (1 of 4 stars; one submission).

Submission:

Labcorp Genetics (formerly Invitae), Labcorp
Classification: Uncertain significance. Last evaluated: 2025-08-13. Review status: criteria provided, single submitter. Criteria: Invitae Variant Classification Sherloc (09022015). Collection method: clinical testing. Allele origin: germline.
Comment: This sequence change replaces glycine, which is neutral and non-polar, with arginine, which is basic and polar, at codon 218 of the ZBTB18 protein (p.Gly218Arg). This variant is present in population databases (no rsID available, gnomAD 0.0009%). This variant has not been reported in the literature in individuals affected with ZBTB18-related conditions. Invitae Evidence Modeling of protein sequence and biophysical properties (such as structural, functional, and spatial information, amino acid conservation, physicochemical variation, residue mobility, and thermodynamic stability) indicates that this missense variant is not expected to disrupt ZBTB18 protein function with a negative predictive value of 95%. In summary, the available evidence is currently insufficient to determine the role of this variant in disease. Therefore, it has been classified as a Variant of Uncertain Significance.